The following is an entry in ClinVar:

NM_000321.3(RB1):c.2106+1G>A

Gene: RB1 (RB transcriptional corepressor 1; plus strand). Cytogenetic location: 13q14.2.
Variant type: single nucleotide variant.
Coding change: c.2106+1G>A on transcript NM_000321.3 (MANE Select); the canonical splice donor site of the intron after coding-DNA position 2106, G replaced by A.
Molecular consequence: splice donor variant.
Genome position (GRCh38, 1-based): chr13:48,459,834, G>A. VCF-style: chr13-48459834-G-A. GRCh37 (hg19) VCF-style: chr13-49033970-G-A.
Other names: c.2106+1G>A (NM_001407165.1).
Identifiers: ClinVar variation 1075814 (VCV001075814.10), dbSNP rs1949385207, ClinGen allele CA388166983.
Genomic context (GRCh38, chr13:48,459,834, plus strand): 5'-CTTTTCCAGCACACCCTGCAGAATGAGTATGAACTCATGAGAGACAGGCATTTGGACCAA[G>A]TAAGAAAATCAAGCACTTCACCTTCTCTCCTCCCTACTTACTTGTTAACTGATTCTTTCT-3'

ClinVar aggregate classification (germline): Pathogenic (1 of 4 stars; one submission).

Conditions:
Retinoblastoma (RB1). Also called: RETINOBLASTOMA, SOMATIC. Identifiers: Orphanet 790, MedGen C0035335, MeSH D012175, MONDO:0008380, OMIM 180200, HP:0009919. Disease mechanism: loss of function. Inheritance: Both sporadic and heritable forms are tested..

Submission:

Labcorp Genetics (formerly Invitae), Labcorp
Classification: Pathogenic for Retinoblastoma. Last evaluated: 2020-02-21. Review status: criteria provided, single submitter. Criteria: Invitae Variant Classification Sherloc (09022015). Collection method: clinical testing. Allele origin: germline.
Comment: Algorithms developed to predict the effect of sequence changes on RNA splicing suggest that this variant may disrupt the consensus splice site, but this prediction has not been confirmed by published transcriptional studies. This sequence change affects a donor splice site in intron 20 of the RB1 gene. It is expected to disrupt RNA splicing and likely results in an absent or disrupted protein product. This variant is not present in population databases (ExAC no frequency). Disruption of this splice site has been observed in individual(s) with retinoblastoma (PMID: 24688104, 30031154). For these reasons, this variant has been classified as Pathogenic. Donor and acceptor splice site variants typically lead to a loss of protein function (PMID: 16199547), and loss-of-function variants in RB1 are known to be pathogenic (PMID: 17096365).

Literature cited by the submitters: PubMed 24688104; PubMed 30031154; PubMed 16199547; PubMed 17096365.